The following is an entry in ClinVar:

NC_000009.12:g.35657936G>A

Gene: RMRP (RNA component of mitochondrial RNA processing endoribonuclease; minus strand). Cytogenetic location: 9p13.3.
Variant type: single nucleotide variant.
Genome position: GRCh38 VCF-style: chr9-35657936-G-A. GRCh37 (hg19) VCF-style: chr9-35657933-G-A.
Identifiers: ClinVar variation 1436255 (VCV001436255.4), dbSNP rs1372572486, ClinGen allele CA464450838.
Genomic context (GRCh38, chr9:35,657,936, plus strand): 5'-CTTTGGAGTGGGAAGCGGGGAATGTCTACGTGCGTATGCACGTGGCACTCTCTGCCCGAG[G>A]TCCGGGGACTTTCCCCTAGGCGGAAAGGGGAGGAACAGAGTCCTCAGTGTGTAGCCTAGG-3'

ClinVar aggregate classification (germline): Uncertain significance. Review status: criteria provided, multiple submitters, no conflicts (2 of 4 stars). 2 submissions from 2 submitters: Uncertain significance (2). Last evaluated 2024-07-05.

Conditions:
Anauxetic dysplasia. Identifiers: Orphanet 93347, MedGen C1846796, MONDO:0011773.

Allele frequency attached by ClinVar (database versions not stated): gnomAD exomes 0.00001.
gnomAD v4.1: 8 of 700,346 alleles (0.0011%); highest among the groups gnomAD compares: East Asian, 0.0054%; no homozygotes.

Submissions (2):

Blueprint Genetics
Classification: Uncertain significance. Last evaluated: 2024-07-05. Review status: criteria provided, single submitter. Criteria: ACMG Guidelines, 2015. Collection method: clinical testing. Allele origin: germline.

Labcorp Genetics (formerly Invitae), Labcorp
Classification: Uncertain significance for Anauxetic dysplasia. Last evaluated: 2022-07-06. Review status: criteria provided, single submitter. Criteria: Invitae Variant Classification Sherloc (09022015). Collection method: clinical testing. Allele origin: germline.
Comment: This variant occurs in the RMRP gene, which encodes an RNA molecule that does not result in a protein product. This variant is present in population databases (no rsID available, gnomAD 0.002%). This variant has not been reported in the literature in individuals affected with RMRP-related conditions. ClinVar contains an entry for this variant (Variation ID: 1436255). Experimental studies and prediction algorithms are not available or were not evaluated, and the functional significance of this variant is currently unknown. In summary, the available evidence is currently insufficient to determine the role of this variant in disease. Therefore, it has been classified as a Variant of Uncertain Significance.